The following is an entry in ClinVar:

ClinVar aggregate classification (germline): Pathogenic (1 of 4 stars; one submission).

Conditions:
Inborn genetic diseases. Identifiers: MedGen C0950123, MeSH D030342.

Submission:

Ambry Genetics
Classification: Pathogenic for Inborn genetic diseases. Last evaluated: 2026-08-13. Review status: criteria provided, single submitter. Criteria: Ambry Variant Classification Scheme 2023. Collection method: clinical testing. Allele origin: germline.
Comment: The c.3060delC (p.H1020Qfs*4) alteration, located in exon 16 (coding exon 16) of the SCN1A gene, consists of a deletion of one nucleotide at position 3060, causing a translational frameshift with a predicted alternate stop codon after 4 amino acids. This variant is expected to result in loss of function by premature protein truncation or nonsense-mediated mRNA decay. for Dravet syndrome; however, its clinical significance for SCN1A-related generalized epilepsy with febrile seizures plus, SCN1A-related developmental and epileptic encephalopathy, and SCN1A-related hemiplegic migraine is uncertain. This variant was not reported in population-based cohorts in the Genome Aggregation Database (gnomAD). Another variant, c.3058delC, resulting in the same protein change has been identified in individual(s) with features consistent with Dravet syndrome (Wang, 2012). Based on the available evidence, this alteration is classified as pathogenic.

Literature cited by the submitters: PubMed 23195492.

NM_001165963.4(SCN1A):c.3060del (p.His1020fs)

Gene: SCN1A (sodium voltage-gated channel alpha subunit 1; minus strand). Cytogenetic location: 2q24.3.
Variant type: Deletion.
Coding change: c.3060del on transcript NM_001165963.4 (MANE Select); coding-DNA position 3060, one base deleted (C; older notation c.3060delC).
Protein change: p.His1020fs; shifts the reading frame from histidine 1020.
Molecular consequence: frameshift variant. On other transcripts: non-coding transcript variant (1).
Genome position (GRCh38, 1-based): chr2:166,036,417, G deleted on the plus strand (C on the coding strand, the reverse complement: SCN1A is on the minus strand). VCF-style (leftmost placement, unchanged base first): chr2-166036416-TG-T. GRCh37 (hg19) VCF-style: chr2-166892926-TG-T.
Other names: c.2976del, p.His992fs (NM_001165964.3, NM_001353957.2, NM_001353958.2); c.3060del, p.His1020fs (NM_001202435.3, NM_001353948.2); c.3027del, p.His1009fs (NM_001353949.2, NM_001353950.2, NM_001353951.2 and 2 more transcripts); c.3024del, p.His1008fs (NM_001353954.2, NM_001353955.2); c.2973del, p.His991fs (NM_001353960.2); c.618del, p.His206fs (NM_001353961.2); short protein forms H206fs, H1009fs, H1020fs, H1008fs, H991fs, H992fs.
Identifiers: ClinVar variation 5029113 (VCV005029113.1).